The following is an entry in ClinVar:

NM_004168.4(SDHA):c.1663G>A (p.Gly555Arg)

Gene: SDHA (succinate dehydrogenase complex flavoprotein subunit A; plus strand). Cytogenetic location: 5p15.33.
Variant type: single nucleotide variant.
Coding change: c.1663G>A on transcript NM_004168.4 (MANE Select); coding-DNA position 1663, G replaced by A.
Protein change: p.Gly555Arg; replaces glycine 555 with arginine.
Molecular consequence: missense variant. On other transcripts: intron variant (1).
Genome position (GRCh38, 1-based): chr5:251,103, G>A. VCF-style: chr5-251103-G-A. GRCh37 (hg19) VCF-style: chr5-251218-G-A.
Other names: c.1519G>A, p.Gly507Arg (NM_001294332.2); c.1552-3290G>A (NM_001330758.2); short protein forms G555R, G507R.
Identifiers: ClinVar variation 1461889 (VCV001461889.6), dbSNP rs1392860800, ClinGen allele CA358999002.
Genomic context (GRCh38, chr5:251,103, plus strand): 5'-GGTTGTGGGAAAATCAGCAAGCTCTATGGAGACCTAAAGCACCTGAAGACGTTCGACCGG[G>A]GTGAGCAGACAGTGGGCTCTGTGCACACTGTTGGGCCCTTCCTTCTGCAGGGTGGGCTGG-3'
Protein context (NP_004159.2, residues 545-565): DLKHLKTFDR[Gly555Arg]MVWNTDLVET

ClinVar aggregate classification (germline): Uncertain significance (1 of 4 stars; one submission).

Conditions:
Mitochondrial complex II deficiency, nuclear type 1. Also called: SUCCINATE CoQ REDUCTASE DEFICIENCY. Identifiers: Orphanet 3208, MedGen C5700310, MONDO:0100294, OMIM 252011.
Pheochromocytoma/paraganglioma syndrome 5. Also called: Paragangliomas 5; SDHA-Related Hereditary Paraganglioma-Pheochromocytoma Syndrome. Identifiers: Orphanet 29072, MedGen C3279992, MONDO:0013602, OMIM 614165.

Submission:

Labcorp Genetics (formerly Invitae), Labcorp
Classification: Uncertain significance for Pheochromocytoma/paraganglioma syndrome 5; Mitochondrial complex II deficiency, nuclear type 1. Last evaluated: 2022-07-13. Review status: criteria provided, single submitter. Criteria: Invitae Variant Classification Sherloc (09022015). Collection method: clinical testing. Allele origin: germline.
Comment: This sequence change replaces glycine, which is neutral and non-polar, with arginine, which is basic and polar, at codon 555 of the SDHA protein (p.Gly555Arg). This variant also falls at the last nucleotide of exon 12, which is part of the consensus splice site for this exon. This variant is not present in population databases (gnomAD no frequency). This variant has not been reported in the literature in individuals affected with SDHA-related conditions. ClinVar contains an entry for this variant (Variation ID: 1461889). Algorithms developed to predict the effect of missense changes on protein structure and function are either unavailable or do not agree on the potential impact of this missense change (SIFT: "Deleterious"; PolyPhen-2: "Probably Damaging"; Align-GVGD: "Class C15"). Variants that disrupt the consensus splice site are a relatively common cause of aberrant splicing (PMID: 17576681, 9536098). Algorithms developed to predict the effect of sequence changes on RNA splicing suggest that this variant may disrupt the consensus splice site. In summary, the available evidence is currently insufficient to determine the role of this variant in disease. Therefore, it has been classified as a Variant of Uncertain Significance.

Literature cited by the submitters: PubMed 17576681; PubMed 9536098.